The following is an entry in ClinVar:

NM_001290212.2(TSPAN10):c.766G>C (p.Asp256His)

Gene: TSPAN10 (tetraspanin 10; plus strand). Cytogenetic location: 17q25.3.
Variant type: single nucleotide variant.
Coding change: c.766G>C on transcript NM_001290212.2 (MANE Select); coding-DNA position 766, G replaced by C.
Protein change: p.Asp256His; replaces aspartic acid 256 with histidine.
Molecular consequence: missense variant. On other transcripts: non-coding transcript variant (1).
Genome position (GRCh38, 1-based): chr17:81,647,992, G>C. VCF-style: chr17-81647992-G-C. GRCh37 (hg19) VCF-style: chr17-79615022-G-C.
Other names: c.766G>C, p.Asp256His (NM_031945.5); short protein forms D256H.
Identifiers: ClinVar variation 3234136 (VCV003234136.20), dbSNP rs201722214, ClinGen allele CA8838868.

ClinVar aggregate classification (germline): Benign (1 of 4 stars; one submission).

Allele frequency attached by ClinVar (database versions not stated): ESP Exome Variant Server 0.00032; 1000 Genomes Project 30x 0.00250; 1000 Genomes Project 0.00260; ExAC 0.00263.
gnomAD v4.1: 1,777 of 1,611,200 alleles (0.11%); highest among the groups gnomAD compares: South Asian, 1.1%; 20 homozygotes.

Submission:

CeGaT Center for Human Genetics Tuebingen
Classification: Benign. Last evaluated: 2024-04-01. Review status: criteria provided, single submitter. Criteria: CeGaT Center For Human Genetics Tuebingen Variant Classification Criteria Version 2. Collection method: clinical testing. Allele origin: germline. Affected: yes. Observed: 1 variant allele.
Comment: TSPAN10: BP4, BS1, BS2